The following is an entry in ClinVar:

NM_018475.5(TMEM165):c.690G>C (p.Leu230Phe)

Gene: TMEM165 (transmembrane protein 165; plus strand). Cytogenetic location: 4q12.
Variant type: single nucleotide variant.
Coding change: c.690G>C on transcript NM_018475.5 (MANE Select); coding-DNA position 690, G replaced by C.
Protein change: p.Leu230Phe; replaces leucine 230 with phenylalanine.
Molecular consequence: missense variant. On other transcripts: non-coding transcript variant (1).
Genome position (GRCh38, 1-based): chr4:55,417,883, G>C. VCF-style: chr4-55417883-G-C. GRCh37 (hg19) VCF-style: chr4-56284050-G-C.
Other names: short protein forms L230F.
Identifiers: ClinVar variation 1345250 (VCV001345250.6), dbSNP rs2109553145, ClinGen allele CA356903108.

ClinVar aggregate classification (germline): Uncertain significance (1 of 4 stars; one submission).

Conditions:
TMEM165-congenital disorder of glycosylation. Also called: CDG IIk; TMEM165-CDG; Congenital disorder of glycosylation type 2k. Identifiers: Orphanet 314667, MedGen C3553571, MONDO:0013870, OMIM 614727.

Allele frequency attached by ClinVar (database versions not stated): gnomAD exomes 0.00001.
gnomAD v4.1: 3 of 1,613,992 alleles (0.00019%); highest among the groups gnomAD compares: Middle Eastern, 0.016%; no homozygotes.

Submission:

Labcorp Genetics (formerly Invitae), Labcorp
Classification: Uncertain significance for TMEM165-congenital disorder of glycosylation. Last evaluated: 2020-11-10. Review status: criteria provided, single submitter. Criteria: Invitae Variant Classification Sherloc (09022015). Collection method: clinical testing. Allele origin: germline.
Comment: This variant has not been reported in the literature in individuals with TMEM165-related conditions. This variant is not present in population databases (ExAC no frequency). This sequence change replaces leucine with phenylalanine at codon 230 of the TMEM165 protein (p.Leu230Phe). The leucine residue is moderately conserved and there is a small physicochemical difference between leucine and phenylalanine. In summary, the available evidence is currently insufficient to determine the role of this variant in disease. Therefore, it has been classified as a Variant of Uncertain Significance. Algorithms developed to predict the effect of missense changes on protein structure and function (SIFT, PolyPhen-2, Align-GVGD) all suggest that this variant is likely to be tolerated, but these predictions have not been confirmed by published functional studies and their clinical significance is uncertain.